The following is an entry in ClinVar:

ClinVar aggregate classification (germline): Pathogenic/Likely pathogenic. Review status: no assertion criteria provided (0 of 4 stars). 2 submissions from 2 submitters: Pathogenic (1); Likely pathogenic (1). Last evaluated 2021-07-01.

Conditions:
Gastric cancer. Also called: Stomach cancer; Malignant tumor of stomach. Identifiers: MedGen C0024623, MeSH D013274, MONDO:0001056, OMIM 613659, HP:0012126.
Familial cancer of breast. Also called: Hereditary breast cancer; hereditary breast carcinoma; BREAST CANCER, FAMILIAL. Identifiers: Orphanet 227535, MedGen C0346153, MONDO:0016419, OMIM 114480. Disease mechanism: loss of function.

Submissions (2):

Laboratory for Genotyping Development, RIKEN
Classification: Pathogenic for Gastric cancer. Last evaluated: 2021-07-01. Review status: no assertion criteria provided. Collection method: research. Allele origin: germline.

MVZ Praenatalmedizin und Genetik Nuernberg
Classification: Likely pathogenic for Familial cancer of breast. Last evaluated: 2019-07-01. Review status: no assertion criteria provided. Collection method: clinical testing. Allele origin: germline. Inheritance: Autosomal dominant inheritance. Affected: no. Observed: 1 heterozygote.
Comment: GnomAD shows no entry for this variant (very rare or private variant). This nonsense-variant results in a premature stop-codon in exon 55. ClinVar lists several nonsense mutations further downstream (e.g. p.Ser3027Lysfs, p.Arg3047Ter, p. Phe3049Profs) with likely-pathogenic/pathogenic classification. For one of these variants functional analyses showed effects on ATM kinase activity (PMID: 19431188). Taken together, we classify this variant as likely pathogenic.

Literature cited by the submitters: PubMed 36988593 (cited by Laboratory for Genotyping Development, RIKEN).

NM_000051.4(ATM):c.8054C>A (p.Ser2685Ter)

Genes: ATM (ATM serine/threonine kinase; plus strand), C11orf65 (chromosome 11 open reading frame 65; minus strand). Cytogenetic location: 11q22.3.
Variant type: single nucleotide variant.
Coding change: c.8054C>A on transcript NM_000051.4 (MANE Select); coding-DNA position 8054, C replaced by A.
Protein change: p.Ser2685Ter; replaces serine 2685 with a stop codon.
Molecular consequence: nonsense. On other transcripts: intron variant (2).
Genome position (GRCh38, 1-based): chr11:108,335,012, C>A. VCF-style: chr11-108335012-C-A. GRCh37 (hg19) VCF-style: chr11-108205739-C-A.
Other names: c.8054C>A, p.Ser2685Ter (NM_001351834.2); c.641-25941G>T (NM_001330368.2); c.*38+208G>T (NM_001351110.2); short protein forms S2685*.
Identifiers: ClinVar variation 978600 (VCV000978600.22), dbSNP rs2086676230, ClinGen allele CA382561936.